The following is an entry in ClinVar:

ClinVar aggregate classification (germline): Conflicting classifications of pathogenicity. Review status: criteria provided, conflicting classifications (1 of 4 stars). 3 submissions from 3 submitters: Uncertain significance (1); Likely benign (2). Last evaluated 2026-02-03.

Conditions:
NPHP1-related disorder. Also called: NPHP1-related disorders; NPHP1-related condition.
Nephronophthisis. Also called: Juvenile Nephronophthisis. Identifiers: Orphanet 655, MedGen C0687120, MONDO:0019005, HP:0000090.

Allele frequency attached by ClinVar (database versions not stated): TOPMed 0.00001; ExAC 0.00002; gnomAD 0.00002; gnomAD exomes 0.00002.
gnomAD v4.1: 37 of 1,597,396 alleles (0.0023%); highest among the groups gnomAD compares: Non-Finnish European, 0.003%; no homozygotes.

Submissions (3):

PreventionGenetics, part of Exact Sciences
Classification: Likely benign for NPHP1-related condition. Last evaluated: 2026-02-03. Review status: criteria provided, single submitter. Criteria: ACMG Guidelines, 2015. Collection method: clinical testing. Allele origin: germline.
Comment: This variant is classified as likely benign based on ACMG/AMP sequence variant interpretation guidelines (Richards et al. 2015 PMID: 25741868, with internal and published modifications).

Labcorp Genetics (formerly Invitae), Labcorp
Classification: Likely benign for Nephronophthisis. Last evaluated: 2024-10-23. Review status: criteria provided, single submitter. Criteria: Invitae Variant Classification Sherloc (09022015). Collection method: clinical testing. Allele origin: germline.

Blueprint Genetics
Classification: Uncertain significance. Last evaluated: 2019-11-06. Review status: criteria provided, single submitter. Criteria: ACMG Guidelines, 2015. Collection method: clinical testing. Allele origin: germline.

NM_001128178.3(NPHP1):c.522+8G>A

Gene: NPHP1 (nephrocystin 1; minus strand). Cytogenetic location: 2q13.
Variant type: single nucleotide variant.
Coding change: c.522+8G>A on transcript NM_001128178.3 (MANE Select); 8 bases into the intron after coding-DNA position 522, G replaced by A.
Molecular consequence: intron variant.
Genome position (GRCh38, 1-based): chr2:110,169,798, C>T on the plus strand (G>A on the coding strand, the complement: NPHP1 is on the minus strand). VCF-style: chr2-110169798-C-T. GRCh37 (hg19) VCF-style: chr2-110927375-C-T.
Other names: c.336+8G>A (NM_001128179.3); c.522+8G>A (NM_001374256.1, NM_001374257.1, NM_207181.4 and 2 more transcripts).
Identifiers: ClinVar variation 1907289 (VCV001907289.7), dbSNP rs754307135, ClinGen allele CA1827377.